The following is an entry in ClinVar:

ClinVar aggregate classification (germline): Uncertain significance (1 of 4 stars; one submission).

Conditions:
Anemia, nonspherocytic hemolytic, due to G6PD deficiency (CNSHA1). Also called: Hemolytic anemia due to G6PD deficiency; Favism, susceptibility to; Class I glucose-6-phosphate dehydrogenase deficiency; ANEMIA, CONGENITAL, NONSPHEROCYTIC HEMOLYTIC, 1. Identifiers: Orphanet 466026, MedGen C2720289, MONDO:0010480, OMIM 300908.

gnomAD v4.1: 1 of 1,212,093 alleles (0.000083%); no homozygotes.

Submission:

Labcorp Genetics (formerly Invitae), Labcorp
Classification: Uncertain significance for Anemia, nonspherocytic hemolytic, due to G6PD deficiency. Last evaluated: 2024-01-16. Review status: criteria provided, single submitter. Criteria: Invitae Variant Classification Sherloc (09022015). Collection method: clinical testing. Allele origin: germline.
Comment: This sequence change replaces alanine, which is neutral and non-polar, with proline, which is neutral and non-polar, at codon 116 of the G6PD protein (p.Ala116Pro). This variant is not present in population databases (gnomAD no frequency). This variant has not been reported in the literature in individuals affected with G6PD-related conditions. Advanced modeling of protein sequence and biophysical properties (such as structural, functional, and spatial information, amino acid conservation, physicochemical variation, residue mobility, and thermodynamic stability) performed at Invitae indicates that this missense variant is expected to disrupt G6PD protein function with a positive predictive value of 80%. In summary, the available evidence is currently insufficient to determine the role of this variant in disease. Therefore, it has been classified as a Variant of Uncertain Significance.

NM_001360016.2(G6PD):c.346G>C (p.Ala116Pro)

Gene: G6PD (glucose-6-phosphate dehydrogenase; minus strand). Cytogenetic location: Xq28.
Variant type: single nucleotide variant.
Coding change: c.346G>C on transcript NM_001360016.2 (MANE Select); coding-DNA position 346, G replaced by C.
Protein change: p.Ala116Pro; replaces alanine 116 with proline.
Molecular consequence: missense variant.
Genome position (GRCh38, 1-based): chrX:154,535,307, C>G on the plus strand (G>C on the coding strand, the complement: G6PD is on the minus strand). VCF-style: chrX-154535307-C-G. GRCh37 (hg19) VCF-style: chrX-153763522-C-G.
Other names: c.436G>C, p.Ala146Pro (NM_000402.4); c.346G>C, p.Ala116Pro (NM_001042351.3); short protein forms A146P, A116P.
Identifiers: ClinVar variation 2902227 (VCV002902227.3), dbSNP rs2523271187, ClinGen allele CA415238866.